The following is an entry in ClinVar:

ClinVar aggregate classification (germline): Benign/Likely benign. Review status: criteria provided, multiple submitters, no conflicts (2 of 4 stars). 4 submissions from 4 submitters: Benign (1); Likely benign (3). Last evaluated 2025-03-04.

Conditions:
Hereditary cancer-predisposing syndrome. Also called: Hereditary Cancer Syndrome; Neoplastic Syndromes, Hereditary; Hereditary neoplastic syndrome; Tumor predisposition. Identifiers: Orphanet 140162, MedGen C0027672, MeSH D009386, MONDO:0015356.
Familial adenomatous polyposis 1 (FAP1). Also called: FAMILIAL ADENOMATOUS POLYPOSIS 1, ATTENUATED; POLYPOSIS, ADENOMATOUS INTESTINAL. Identifiers: MedGen C2713442, MONDO:0021056, OMIM 175100. Disease mechanism: loss of function.

Submissions (4):

Center for Genomic Medicine, Rigshospitalet, Copenhagen University Hospital
Classification: Likely benign. Last evaluated: 2025-03-04. Review status: criteria provided, single submitter. Criteria: ACMG Guidelines, 2015. Collection method: clinical testing. Allele origin: germline.

Myriad Genetics, Inc.
Classification: Benign for Familial adenomatous polyposis 1. Last evaluated: 2024-03-01. Review status: criteria provided, single submitter. Criteria: Myriad Autosomal Dominant, Autosomal Recessive and X-Linked Classification Criteria (2023). Collection method: clinical testing. Allele origin: unknown.
Comment: This variant is considered benign. This variant is a silent/synonymous amino acid change and it is not expected to impact splicing.

Labcorp Genetics (formerly Invitae), Labcorp
Classification: Likely benign for Familial adenomatous polyposis 1. Last evaluated: 2023-05-02. Review status: criteria provided, single submitter. Criteria: Invitae Variant Classification Sherloc (09022015). Collection method: clinical testing. Allele origin: germline.

Ambry Genetics
Classification: Likely benign for Hereditary cancer-predisposing syndrome. Last evaluated: 2016-06-01. Review status: criteria provided, single submitter. Criteria: Ambry Variant Classification Scheme 2023. Collection method: clinical testing. Allele origin: germline.

NM_000038.6(APC):c.1437G>A (p.Leu479=)

Gene: APC (APC regulator of Wnt signaling pathway; plus strand). Cytogenetic location: 5q22.2.
Variant type: single nucleotide variant.
Coding change: c.1437G>A on transcript NM_000038.6 (MANE Select); coding-DNA position 1437, G replaced by A.
Protein change: p.Leu479=; no amino-acid change (leucine 479 retained).
Molecular consequence: synonymous variant.
Genome position (GRCh38, 1-based): chr5:112,827,136, G>A. VCF-style: chr5-112827136-G-A. GRCh37 (hg19) VCF-style: chr5-112162833-G-A.
Other names: c.1437G>A, p.Leu479= (NM_001127510.3, NM_001354895.2); c.1383G>A, p.Leu461= (NM_001127511.3); c.1491G>A, p.Leu497= (NM_001354896.2); c.1467G>A, p.Leu489= (NM_001354897.2); c.1362G>A, p.Leu454= (NM_001354898.2); c.1353G>A, p.Leu451= (NM_001354899.2); c.1314G>A, p.Leu438= (NM_001354900.2); c.1260G>A, p.Leu420= (NM_001354901.2); and 5 more.
Identifiers: ClinVar variation 428159 (VCV000428159.9), dbSNP rs1114167598, ClinGen allele CA445755912.